The following is an entry in ClinVar:

NM_000260.4(MYO7A):c.502A>G (p.Thr168Ala)

Gene: MYO7A (myosin VIIA; plus strand). Cytogenetic location: 11q13.5.
Variant type: single nucleotide variant.
Coding change: c.502A>G on transcript NM_000260.4 (MANE Select); coding-DNA position 502, A replaced by G.
Protein change: p.Thr168Ala; replaces threonine 168 with alanine.
Molecular consequence: missense variant.
Genome position (GRCh38, 1-based): chr11:77,156,691, A>G. VCF-style: chr11-77156691-A-G. GRCh37 (hg19) VCF-style: chr11-76867737-A-G.
Other names: c.502A>G, p.Thr168Ala (NM_001127180.2); c.469A>G, p.Thr157Ala (NM_001369365.1); short protein forms T157A, T168A.
Identifiers: ClinVar variation 3378345 (VCV003378345.1).

ClinVar aggregate classification (germline): Uncertain significance (1 of 4 stars; one submission).

Submission:

GeneDx
Classification: Uncertain significance. Last evaluated: 2024-05-15. Review status: criteria provided, single submitter. Criteria: GeneDx Variant Classification Process June 2021. Collection method: clinical testing. Allele origin: germline. Affected: yes.
Comment: Not observed at significant frequency in large population cohorts (gnomAD); In silico analysis supports that this missense variant has a deleterious effect on protein structure/function; Has not been previously published as pathogenic or benign to our knowledge